The following is an entry in ClinVar:

NM_000038.6(APC):c.-19+5495A>C

Gene: APC (APC regulator of WNT signaling pathway; plus strand). Cytogenetic location: 5q22.2.
Variant type: single nucleotide variant.
Coding change: c.-19+5495A>C on transcript NM_000038.6 (MANE Select); 5495 bases into the intron after 19 bases upstream of the start codon, A replaced by C.
Molecular consequence: intron variant.
Genome position (GRCh38, 1-based): chr5:112,743,420, A>C. VCF-style: chr5-112743420-A-C. GRCh37 (hg19) VCF-style: chr5-112079117-A-C.
Other names: c.-18-11453A>C (NM_001354895.2); c.166-22906A>C (NM_001354897.2, NM_001354902.2, NM_001127511.3); c.-19+4960A>C (NM_001127510.3); c.60+4960A>C (NM_001354898.2, NM_001354904.2); c.-1054+5495A>C (NM_001354906.2); c.-19+5495A>C (NM_001354896.2, NM_001354903.2, NM_001354899.2); c.-43+5495A>C (NM_001354900.2, NM_001354901.2, NM_001354905.2).
Identifiers: ClinVar variation 82344 (VCV000082344.2), dbSNP rs77465371, ClinGen allele CA006545.

ClinVar aggregate classification (germline): other (0 of 4 stars; one submission).

Conditions:
Familial colorectal cancer. Identifiers: MedGen CN280943, MONDO:0023113. Disease mechanism: loss of function.

Allele frequency attached by ClinVar (database versions not stated): gnomAD 0.00001.
gnomAD v4.1: 1 of 151,894 alleles (0.00066%); highest among the groups gnomAD compares: African/African-American, 0.0024%; no homozygotes.

Submission:

Systems Biology Platform Zhejiang California International NanoSystems Institute
Classification: other for Familial colorectal cancer. Review status: no assertion criteria provided. Collection method: not provided. Allele origin: unknown.
ClinVar note: Converted during submission from cancer to other.